The following is an entry in ClinVar:

ClinVar aggregate classification (germline): Likely pathogenic. Review status: criteria provided, multiple submitters, no conflicts (2 of 4 stars). 3 submissions from 3 submitters: Likely pathogenic (2). 1 of the submissions does not count toward it. Last evaluated 2023-06-09.

Conditions:
Tuberous sclerosis syndrome (TSC). Also called: Tuberous Sclerosis Complex; Tuberous sclerosis. Identifiers: Orphanet 805, MedGen C0041341, MONDO:0001734.
Tuberous sclerosis 2 (TSC2). Identifiers: Orphanet 805, MedGen C1860707, MONDO:0013199, OMIM 613254.

Submissions (3):

Labcorp Genetics (formerly Invitae), Labcorp
Classification: Likely pathogenic for Tuberous sclerosis 2. Last evaluated: 2023-06-09. Review status: criteria provided, single submitter. Criteria: Invitae Variant Classification Sherloc (09022015). Collection method: clinical testing. Allele origin: germline.
Comment: In summary, the currently available evidence indicates that the variant is pathogenic, but additional data are needed to prove that conclusively. Therefore, this variant has been classified as Likely Pathogenic. Advanced modeling of protein sequence and biophysical properties (such as structural, functional, and spatial information, amino acid conservation, physicochemical variation, residue mobility, and thermodynamic stability) performed at Invitae indicates that this missense variant is not expected to disrupt TSC2 protein function. ClinVar contains an entry for this variant (Variation ID: 64901). This missense change has been observed in individual(s) with tuberous sclerosis complex (PMID: 23254740; Invitae). In at least one individual the variant was observed to be de novo. This variant is not present in population databases (gnomAD no frequency). This sequence change replaces leucine, which is neutral and non-polar, with proline, which is neutral and non-polar, at codon 528 of the TSC2 protein (p.Leu528Pro).

GeneDx
Classification: Likely pathogenic. Last evaluated: 2023-05-02. Review status: criteria provided, single submitter. Criteria: GeneDx Variant Classification Process June 2021. Collection method: clinical testing. Allele origin: germline. Affected: yes.
Comment: In silico analysis supports that this missense variant has a deleterious effect on protein structure/function; Not observed at significant frequency in large population cohorts (gnomAD); This variant is associated with the following publications: (PMID: 23254740)

Tuberous sclerosis database (TSC2)
No classification provided. Condition: TSC. Review status: no classification provided. Criteria: Tuberous Sclerosis Database Assertion Criteria 2015. Collection method: curation. Allele origin: germline. Affected: yes. Not counted in ClinVar's aggregate classification.

Literature cited by the submitters: PubMed 23254740 (cited by Labcorp Genetics (formerly Invitae), Labcorp).

NM_000548.5(TSC2):c.1583T>C (p.Leu528Pro)

Gene: TSC2 (TSC complex subunit 2; plus strand). Cytogenetic location: 16p13.3.
Variant type: single nucleotide variant.
Coding change: c.1583T>C on transcript NM_000548.5 (MANE Select); coding-DNA position 1583, T replaced by C.
Protein change: p.Leu528Pro; replaces leucine 528 with proline.
Molecular consequence: missense variant.
Genome position (GRCh38, 1-based): chr16:2,064,411, T>C. VCF-style: chr16-2064411-T-C. GRCh37 (hg19) VCF-style: chr16-2114412-T-C.
Other names: c.1583T>C, p.Leu528Pro (NM_001077183.3, NM_001114382.3, NM_001363528.2 and 3 more transcripts); c.1472T>C, p.Leu491Pro (NM_001318827.2); c.1436T>C, p.Leu479Pro (NM_001318829.2); c.983T>C, p.Leu328Pro (NM_001318831.2); c.1616T>C, p.Leu539Pro (NM_001318832.2); short protein forms L528P, L328P, L491P, L539P, L479P.
Identifiers: ClinVar variation 64901 (VCV000064901.6), dbSNP rs397514922, ClinGen allele CA015160.